The following is an entry in ClinVar:

NM_006218.4(PIK3CA):c.315_323del (p.Gly106_Arg108del)

Gene: PIK3CA (phosphatidylinositol-4,5-bisphosphate 3-kinase catalytic subunit alpha; plus strand). Cytogenetic location: 3q26.32.
Variant type: Deletion.
Coding change: c.315_323del on transcript NM_006218.4 (MANE Select); coding-DNA positions 315 to 323, 9 bases deleted (AGGCAACCG; older notation c.315_323delAGGCAACCG).
Protein change: p.Gly106_Arg108del.
Molecular consequence: inframe deletion.
Genome position (GRCh38, 1-based): chr3:179,199,140-179,199,148, AGGCAACCG deleted. VCF-style (leftmost placement, unchanged base first): chr3-179199139-TAGGCAACCG-T. GRCh37 (hg19) VCF-style: chr3-178916927-TAGGCAACCG-T.
Identifiers: ClinVar variation 4279975 (VCV004279975.1).

ClinVar aggregate classification (germline): Likely pathogenic (1 of 4 stars; one submission).

Conditions:
PIK3CA related overgrowth syndrome. Also called: PIK3CA-Related Segmental Overgrowth; PIK3CA related overgrowth spectrum. Identifiers: Orphanet 530313, MedGen C4728213, MONDO:1040002.

Submission:

Clinical Genomics Laboratory, Washington University in St. Louis
Classification: Likely pathogenic for PIK3CA-related overgrowth syndrome. Last evaluated: 2025-04-23. Review status: criteria provided, single submitter. Criteria: Leon-Quintero et al. (Clin Genet. 2025). Collection method: clinical testing. Allele origin: somatic. Affected: yes.
Comment: A PIK3CA c.315_323del (p.Gly106_Arg108del) variant was identified at an allelic fraction consistent with somatic origin. This exact variant, to our knowledge, has not been reported in the medical literature in relation to overgrowth disorders but has been identified in cancer (Dogruluk T et al., PMID: 26627007). Additionally, similar indels in nearby residues have been reported in individuals with PROS disorders and are considered likely pathogenic/pathogenic (Andreoti TA et al., PMID: 39376044; Kuentz P et al., PMID: 28151489; ClinVar variation ID's: 995382, 456545). This variant is absent from the general population (gnomAD v.4.1.0), indicating it is not a common variant and resides within a region, the adaptor binding domain, of PIK3CA that is defined as a critical functional domain (Lai A et al., PMID: 35997716). The PIK3CA c.315_323del (p.Gly106_Arg108del) variant is predicted to cause a change in the length of the protein due to an in-frame deletion of three amino acids in a non-repeat region. Based on an internally developed protocol informed by the ACMG/AMP guidelines (Leon-Quintero FZ, et al., PMID: 39434542) and gene-specific practices from the ClinGen Criteria Specification Registry, the PIK3CA c.315_323del (p.Gly106_Arg108del) variant is classified as likely pathogenic.